The following is an entry in ClinVar:

NM_001127649.3(PEX26):c.784C>T (p.Leu262Phe)

Gene: PEX26 (peroxisomal biogenesis factor 26; plus strand). Cytogenetic location: 22q11.21.
Variant type: single nucleotide variant.
Coding change: c.784C>T on transcript NM_001127649.3 (MANE Select); coding-DNA position 784, C replaced by T.
Protein change: p.Leu262Phe; replaces leucine 262 with phenylalanine.
Molecular consequence: missense variant. On other transcripts: intron variant (1).
Genome position (GRCh38, 1-based): chr22:18,085,228, C>T. VCF-style: chr22-18085228-C-T. GRCh37 (hg19) VCF-style: chr22-18567994-C-T.
Other names: c.784C>T, p.Leu262Phe (NM_017929.6); c.667+1496C>T (NM_001199319.2); short protein forms L262F.
Identifiers: ClinVar variation 1020935 (VCV001020935.8), dbSNP rs776346270, ClinGen allele CA410268715.

ClinVar aggregate classification (germline): Uncertain significance (1 of 4 stars; one submission).

Conditions:
Peroxisome biogenesis disorder 7A (Zellweger). Also called: Peroxisome biogenesis disorder 7A. Identifiers: Orphanet 912, MedGen C3888385, MONDO:0013938, OMIM 614872.
Peroxisome biogenesis disorder 7B (PBD7B). Identifiers: Orphanet 44, MedGen C3553951, MONDO:0013939, OMIM 614873.

Submission:

Labcorp Genetics (formerly Invitae), Labcorp
Classification: Uncertain significance for Peroxisome biogenesis disorder 7A (Zellweger); Peroxisome biogenesis disorder 7B. Last evaluated: 2026-01-04. Review status: criteria provided, single submitter. Criteria: Invitae Variant Classification Sherloc (09022015). Collection method: clinical testing. Allele origin: germline.
Comment: This sequence change replaces leucine, which is neutral and non-polar, with phenylalanine, which is neutral and non-polar, at codon 262 of the PEX26 protein (p.Leu262Phe). This variant is present in population databases (no rsID available, gnomAD 0.006%). This variant has not been reported in the literature in individuals affected with PEX26-related conditions. ClinVar contains an entry for this variant (Variation ID: 1020935). An algorithm developed to predict the effect of missense changes on protein structure and function outputs the following: PolyPhen-2: "Possibly Damaging". The phenylalanine amino acid residue is found in multiple mammalian species, which suggests that this missense change does not adversely affect protein function. In summary, the available evidence is currently insufficient to determine the role of this variant in disease. Therefore, it has been classified as a Variant of Uncertain Significance.